The following is an entry in ClinVar:

NM_001128159.3(VPS53):c.814T>C (p.Phe272Leu)

Gene: VPS53 (VPS53 subunit of GARP complex; minus strand). Cytogenetic location: 17p13.3.
Variant type: single nucleotide variant.
Coding change: c.814T>C on transcript NM_001128159.3 (MANE Select); coding-DNA position 814, T replaced by C.
Protein change: p.Phe272Leu; replaces phenylalanine 272 with leucine.
Molecular consequence: missense variant.
Genome position (GRCh38, 1-based): chr17:628,105, A>G on the plus strand (T>C on the coding strand, the complement: VPS53 is on the minus strand). VCF-style: chr17-628105-A-G. GRCh37 (hg19) VCF-style: chr17-531345-A-G.
Other names: c.814T>C, p.Phe272Leu (NM_001366253.2); c.220T>C, p.Phe74Leu (NM_001366254.2); c.727T>C, p.Phe243Leu (NM_018289.4); short protein forms F243L, F272L, F74L.
Identifiers: ClinVar variation 1302302 (VCV001302302.2), dbSNP rs989869542, ClinGen allele CA286649889.

ClinVar aggregate classification (germline): Uncertain significance (1 of 4 stars; one submission).

Allele frequency attached by ClinVar (database versions not stated): gnomAD exomes below 0.00001.
gnomAD v4.1: 4 of 1,611,112 alleles (0.00025%); highest among the groups gnomAD compares: Non-Finnish European, 0.00034%; no homozygotes.

Submission:

GeneDx
Classification: Uncertain significance. Last evaluated: 2019-07-24. Review status: criteria provided, single submitter. Criteria: GeneDx Variant Classification Process June 2021. Collection method: clinical testing. Allele origin: germline. Affected: yes.
Comment: Not observed in large population cohorts (Lek et al., 2016); In silico analysis, which includes protein predictors and evolutionary conservation, supports a deleterious effect; Has not been previously published as pathogenic or benign to our knowledge